The following is an entry in ClinVar:

NM_025114.4(CEP290):c.13A>T (p.Ile5Leu)

Gene: CEP290 (centrosomal protein 290; minus strand). Cytogenetic location: 12q21.32.
Variant type: single nucleotide variant.
Coding change: c.13A>T on transcript NM_025114.4 (MANE Select); coding-DNA position 13, A replaced by T.
Protein change: p.Ile5Leu; replaces isoleucine 5 with leucine.
Molecular consequence: missense variant.
Genome position (GRCh38, 1-based): chr12:88,141,295, T>A on the plus strand (A>T on the coding strand, the complement: CEP290 is on the minus strand). VCF-style: chr12-88141295-T-A. GRCh37 (hg19) VCF-style: chr12-88535072-T-A.
Other names: c.13A>T (NM_025114.3); short protein forms I5L.
Identifiers: ClinVar variation 1906149 (VCV001906149.5), dbSNP rs1046797710, ClinGen allele CA241168931.

ClinVar aggregate classification (germline): Uncertain significance. Review status: criteria provided, single submitter (1 of 4 stars). 2 submissions from 2 submitters: Uncertain significance (1). 1 of the submissions does not count toward it. Last evaluated 2024-02-24.

Conditions:
CEP290-related disorder. Also called: CEP290-related condition; CEP290-related disorders. Identifiers: MedGen CN239314.
Joubert syndrome. Also called: CEREBELLOPARENCHYMAL DISORDER IV; JOUBERT-BOLTSHAUSER SYNDROME; Familial aplasia of the vermis. Identifiers: Orphanet 475, MedGen C5979921, MONDO:0018772.
Meckel-Gruber syndrome. Also called: DYSENCEPHALIA SPLANCHNOCYSTICA; GRUBER SYNDROME; Dysencephalia splachnocystica. Identifiers: Orphanet 564, MedGen C0265215, MONDO:0018921.
Nephronophthisis. Also called: Juvenile Nephronophthisis. Identifiers: Orphanet 655, MedGen C0687120, MONDO:0019005, HP:0000090.

Allele frequency attached by ClinVar (database versions not stated): gnomAD exomes below 0.00001; gnomAD 0.00001; TOPMed 0.00001.
gnomAD v4.1: 3 of 1,610,606 alleles (0.00019%); highest among the groups gnomAD compares: African/African-American, 0.004%; no homozygotes.

Submissions (2):

Labcorp Genetics (formerly Invitae), Labcorp
Classification: Uncertain significance for Joubert syndrome; Meckel-Gruber syndrome; Nephronophthisis. Last evaluated: 2024-02-24. Review status: criteria provided, single submitter. Criteria: Invitae Variant Classification Sherloc (09022015). Collection method: clinical testing. Allele origin: germline.
Comment: This sequence change replaces isoleucine, which is neutral and non-polar, with leucine, which is neutral and non-polar, at codon 5 of the CEP290 protein (p.Ile5Leu). This variant is present in population databases (no rsID available, gnomAD 0.008%). This variant has not been reported in the literature in individuals affected with CEP290-related conditions. ClinVar contains an entry for this variant (Variation ID: 1906149). Advanced modeling of protein sequence and biophysical properties (such as structural, functional, and spatial information, amino acid conservation, physicochemical variation, residue mobility, and thermodynamic stability) performed at Invitae indicates that this missense variant is not expected to disrupt CEP290 protein function with a negative predictive value of 80%. This variant disrupts the p.Ile5 amino acid residue in CEP290. Other variant(s) that disrupt this residue have been observed in individuals with CEP290-related conditions (PMID: 32865313, 33946315), which suggests that this may be a clinically significant amino acid residue. In summary, the available evidence is currently insufficient to determine the role of this variant in disease. Therefore, it has been classified as a Variant of Uncertain Significance.

PreventionGenetics, part of Exact Sciences
Classification: Uncertain significance for CEP290-related condition. Last evaluated: 2024-03-05. Review status: no assertion criteria provided. Collection method: clinical testing. Allele origin: germline. Not counted in ClinVar's aggregate classification.
Comment: The CEP290 c.13A>T variant is predicted to result in the amino acid substitution p.Ile5Leu. To our knowledge, this variant has not been reported in the literature. This variant is reported in 0.0083% of alleles in individuals of African descent in gnomAD. At this time, the clinical significance of this variant is uncertain due to the absence of conclusive functional and genetic evidence.

Literature cited by the submitters: PubMed 32865313 (cited by Labcorp Genetics (formerly Invitae), Labcorp); PubMed 33946315 (cited by Labcorp Genetics (formerly Invitae), Labcorp).